The following is an entry in ClinVar:

ClinVar aggregate classification (germline): Uncertain significance (1 of 4 stars; one submission).

Conditions:
NEB-related disorder. Also called: NEB-Related Disorders; NEB-related condition.

Submission:

PreventionGenetics, part of Exact Sciences
Classification: Uncertain significance for NEB-related condition. Last evaluated: 2025-10-27. Review status: criteria provided, single submitter. Criteria: ACMG Guidelines, 2015. Collection method: clinical testing. Allele origin: germline.
Comment: The NEB c.13349A>G variant is predicted to result in the amino acid substitution p.Asn4450Ser. To our knowledge, this variant has not been reported in the literature or in a large population database (gnomAD), indicating this variant is rare. Of note, the homologous position of this variant in exon 95 (c.14807A>G, p.Asn4936Ser) is reported in 0.98% of alleles in individuals of African descent in gnomAD, which may indicate the p.Asn4450Ser is a tolerated variant within this region. At this time, the clinical significance of this variant is uncertain due to the absence of conclusive functional and genetic evidence.

NM_001164508.2(NEB):c.13349A>G (p.Asn4450Ser)

Gene: NEB (nebulin; minus strand). Cytogenetic location: 2q23.3.
Variant type: single nucleotide variant.
Coding change: c.13349A>G on transcript NM_001164508.2 (MANE Select); coding-DNA position 13349, A replaced by G.
Protein change: p.Asn4450Ser; replaces asparagine 4450 with serine.
Molecular consequence: missense variant. On other transcripts: intron variant (1).
Genome position (GRCh38, 1-based): chr2:151,602,606, T>C on the plus strand (A>G on the coding strand, the complement: NEB is on the minus strand). VCF-style: chr2-151602606-T-C. GRCh37 (hg19) VCF-style: chr2-152459120-T-C.
Other names: c.13349A>G, p.Asn4450Ser (NM_001164507.2, NM_001271208.2); c.11601+7203A>G (NM_004543.5); short protein forms N4450S.
Identifiers: ClinVar variation 4995313 (VCV004995313.1).